The following is an entry in ClinVar:

ClinVar aggregate classification (germline): Uncertain significance (1 of 4 stars; one submission).

Submission:

Labcorp Genetics (formerly Invitae), Labcorp
Classification: Uncertain significance. Last evaluated: 2025-03-25. Review status: criteria provided, single submitter. Criteria: Invitae Variant Classification Sherloc (09022015). Collection method: clinical testing. Allele origin: germline.
Comment: This sequence change replaces methionine, which is neutral and non-polar, with leucine, which is neutral and non-polar, at codon 1902 of the SNRNP200 protein (p.Met1902Leu). This variant is present in population databases (no rsID available, gnomAD 0.0009%). This variant has not been reported in the literature in individuals affected with SNRNP200-related conditions. Invitae Evidence Modeling of protein sequence and biophysical properties (such as structural, functional, and spatial information, amino acid conservation, physicochemical variation, residue mobility, and thermodynamic stability) indicates that this missense variant is not expected to disrupt SNRNP200 protein function with a negative predictive value of 95%. In summary, the available evidence is currently insufficient to determine the role of this variant in disease. Therefore, it has been classified as a Variant of Uncertain Significance.

NM_014014.5(SNRNP200):c.5704A>T (p.Met1902Leu)

Gene: SNRNP200 (small nuclear ribonucleoprotein U5 subunit 200; minus strand). Cytogenetic location: 2q11.2.
Variant type: single nucleotide variant.
Coding change: c.5704A>T on transcript NM_014014.5 (MANE Select); coding-DNA position 5704, A replaced by T.
Protein change: p.Met1902Leu; replaces methionine 1902 with leucine.
Molecular consequence: missense variant.
Genome position (GRCh38, 1-based): chr2:96,277,857, T>A on the plus strand (A>T on the coding strand, the complement: SNRNP200 is on the minus strand). VCF-style: chr2-96277857-T-A. GRCh37 (hg19) VCF-style: chr2-96943595-T-A.
Other names: short protein forms M1902L.
Identifiers: ClinVar variation 4746940 (VCV004746940.1).